The following is an entry in ClinVar:

ClinVar aggregate classification (germline): Uncertain significance (1 of 4 stars; one submission).

Conditions:
Inborn genetic diseases. Identifiers: MedGen C0950123, MeSH D030342.

gnomAD v4.1: 23 of 1,614,068 alleles (0.0014%); highest among the groups gnomAD compares: Middle Eastern, 0.016%; no homozygotes.

Submission:

Ambry Genetics
Classification: Uncertain significance for Inborn genetic diseases. Last evaluated: 2026-01-09. Review status: criteria provided, single submitter. Criteria: Ambry Variant Classification Scheme 2023. Collection method: clinical testing. Allele origin: germline.
Comment: The c.1043G>A (p.R348Q) alteration is located in exon 2 (coding exon 1) of the KANSL1 gene. This alteration results from a G to A substitution at nucleotide position 1043, causing the arginine (R) at amino acid position 348 to be replaced by a glutamine (Q). Based on data from gnomAD, the A allele has an overall frequency of <0.001% (1/251458) total alleles studied. The highest observed frequency was 0.003% (1/34590) of Latino alleles. Based on insufficient or conflicting evidence, the clinical significance of this alteration remains unclear.

NM_015443.4(KANSL1):c.1043G>A (p.Arg348Gln)

Gene: KANSL1 (KAT8 regulatory NSL complex subunit 1). Cytogenetic location: 17q21.31.
Variant type: single nucleotide variant.
Coding change: c.1043G>A on transcript NM_015443.4 (MANE Select); coding-DNA position 1043, G replaced by A.
Protein change: p.Arg348Gln; replaces arginine 348 with glutamine.
Molecular consequence: missense variant. On other transcripts: intron variant (4).
Genome position (GRCh38, 1-based): chr17:46,171,101, C>T on the plus strand (G>A on the coding strand, the complement: KANSL1 is on the minus strand). VCF-style: chr17-46171101-C-T. GRCh37 (hg19) VCF-style: chr17-44248467-C-T.
Other names: c.1043G>A, p.Arg348Gln (NM_001193465.2, NM_001193466.2, NM_001379198.1 and 18 more transcripts); c.23+52570G>A (NM_001405885.1, NM_001405884.1, NM_001405883.1 and 1 more transcripts); short protein forms R348Q.
Identifiers: ClinVar variation 4828612 (VCV004828612.1).